The following is an entry in ClinVar:

ClinVar aggregate classification (germline): Pathogenic (0 of 4 stars; one submission).

Conditions:
Pyruvate dehydrogenase E1-alpha deficiency (PDHAD). Also called: ATAXIA, INTERMITTENT, WITH PYRUVATE DEHYDROGENASE DEFICIENCY; ATAXIA WITH LACTIC ACIDOSIS I; ATAXIA, INTERMITTENT, WITH ABNORMAL PYRUVATE METABOLISM; Ataxia, intermittent, with pyruvate dehydrogenase, or decarboxylase, deficiency. Identifiers: Orphanet 79243, MedGen C1839413, MONDO:0010717, OMIM 312170.

Submission:

PDHA1 Study Group, University Children’s Hospital, Paracelsus Medical University
Classification: Pathogenic for Pyruvate dehydrogenase E1-alpha deficiency. Last evaluated: 2024-10-15. Review status: no assertion criteria provided. Collection method: research. Allele origin: de novo. Affected: yes. Observed: 1 variant allele.
Comment: The NM_000284.3:c.1125del (p.Phe375LeufsTer49) change is a frameshift variant in PDHA1 gene. This variant is predicted to escape nonsense-mediated decay (NMD). Among them, 1 case had confirmed de novo occurrence. Last literature search: July 12, 2024. This variant is absent or extremely rare in population-based cohorts in the Genome Aggregation Database (gnomAD). Individuals harboring this variant presented with clinical features compatible with PDHA1-related PDHc deficiency. In summary, this variant meets criteria to be classified as likely pathogenic (LP) for PDHA1-related PDHc deficiency based on the ACMG/AMP criteria applied: PM1, PM2, PM4 (last assessment October 15, 2024).

Literature cited by the submitters: DOI 10.1093/brain/awaf430.

NM_000284.4(PDHA1):c.1125del (p.Phe375fs)

Gene: PDHA1 (pyruvate dehydrogenase E1 subunit alpha 1; plus strand). Cytogenetic location: Xp22.12.
Variant type: Deletion.
Coding change: c.1125del on transcript NM_000284.4 (MANE Select); coding-DNA position 1125, one base deleted (T; older notation c.1125delT).
Protein change: p.Phe375fs; shifts the reading frame from phenylalanine 375.
Molecular consequence: frameshift variant.
Genome position (GRCh38, 1-based): chrX:19,359,605, T deleted; the last of 4 consecutive T bases (chrX:19,359,602-19,359,605); deleting any one gives the same sequence. VCF-style (leftmost placement, unchanged base first): chrX-19359601-CT-C. GRCh37 (hg19) VCF-style: chrX-19377719-CT-C.
Other names: c.1239del, p.Phe413fs (NM_001173454.2); c.1146del, p.Phe382fs (NM_001173455.2); c.1032del, p.Phe344fs (NM_001173456.2); short protein forms F344fs, F375fs, F382fs, F413fs.
Identifiers: ClinVar variation 4070464 (VCV004070464.1).